The following is an entry in ClinVar:

NM_001142784.3(IL11RA):c.99A>C (p.Pro33=)

Gene: IL11RA (interleukin 11 receptor subunit alpha; plus strand). Cytogenetic location: 9p13.3.
Variant type: single nucleotide variant.
Coding change: c.99A>C on transcript NM_001142784.3 (MANE Select); coding-DNA position 99, A replaced by C.
Protein change: p.Pro33=; no amino-acid change (proline 33 retained).
Molecular consequence: synonymous variant. On other transcripts: non-coding transcript variant (1).
Genome position (GRCh38, 1-based): chr9:34,655,316, A>C. VCF-style: chr9-34655316-A-C. GRCh37 (hg19) VCF-style: chr9-34655313-A-C.
Identifiers: ClinVar variation 3039737 (VCV003039737.2), dbSNP rs1821323078, ClinGen allele CA464406809.

ClinVar aggregate classification (germline): Likely benign (0 of 4 stars; one submission).

Conditions:
IL11RA-related disorder. Also called: IL11RA-related condition.

Submission:

PreventionGenetics, part of Exact Sciences
Classification: Likely benign for IL11RA-related condition. Last evaluated: 2019-10-16. Review status: no assertion criteria provided. Collection method: clinical testing. Allele origin: germline.
Comment: This variant is classified as likely benign based on ACMG/AMP sequence variant interpretation guidelines (Richards et al. 2015 PMID: 25741868, with internal and published modifications).